The following is an entry in ClinVar:

NM_006440.5(TXNRD2):c.1155G>C (p.Gly385=)

Gene: TXNRD2 (thioredoxin reductase 2; minus strand). Cytogenetic location: 22q11.21.
Variant type: single nucleotide variant.
Coding change: c.1155G>C on transcript NM_006440.5 (MANE Select); coding-DNA position 1155, G replaced by C.
Protein change: p.Gly385=; no amino-acid change (glycine 385 retained).
Molecular consequence: synonymous variant. On other transcripts: non-coding transcript variant (1).
Genome position (GRCh38, 1-based): chr22:19,880,649, C>G on the plus strand (G>C on the coding strand, the complement: TXNRD2 is on the minus strand). VCF-style: chr22-19880649-C-G. GRCh37 (hg19) VCF-style: chr22-19868172-C-G.
Other names: c.1152G>C, p.Gly384= (NM_001352300.2); c.1065G>C, p.Gly355= (NM_001352301.2); c.867G>C, p.Gly289= (NM_001352302.2).
Identifiers: ClinVar variation 508880 (VCV000508880.12), dbSNP rs370957634, ClinGen allele CA10103783.

ClinVar aggregate classification (germline): Likely benign. Review status: criteria provided, multiple submitters, no conflicts (2 of 4 stars). 3 submissions from 3 submitters: Likely benign (3). Last evaluated 2025-11-22.

Conditions:
Cardiovascular phenotype. Identifiers: MedGen CN230736.
Primary dilated cardiomyopathy (DCM). Also called: Dilated Cardiomyopathy. Identifiers: Orphanet 217604, MedGen C0007193, MeSH D002311, MONDO:0005021, HP:0001644. Inheritance: Various modes of inheritance.

Allele frequency attached by ClinVar (database versions not stated): gnomAD exomes 0.00001 and 0.00002; ExAC 0.00003; ESP Exome Variant Server 0.00016; gnomAD 0.00016 and 0.00019; TOPMed 0.00017.
gnomAD v4.1: 48 of 1,613,334 alleles (0.003%); highest among the groups gnomAD compares: African/African-American, 0.055%; no homozygotes.

Submissions (3):

Labcorp Genetics (formerly Invitae), Labcorp
Classification: Likely benign for Primary dilated cardiomyopathy. Last evaluated: 2025-11-22. Review status: criteria provided, single submitter. Criteria: Invitae Variant Classification Sherloc (09022015). Collection method: clinical testing. Allele origin: germline.

Ambry Genetics
Classification: Likely benign for Cardiovascular phenotype. Last evaluated: 2020-11-18. Review status: criteria provided, single submitter. Criteria: Ambry Variant Classification Scheme 2023. Collection method: clinical testing. Allele origin: germline.

GeneDx
Classification: Likely benign. Last evaluated: 2017-04-11. Review status: criteria provided, single submitter. Criteria: GeneDx Variant Classification (06012015). Collection method: clinical testing. Allele origin: germline. Affected: yes.
Comment: This variant is considered likely benign or benign based on one or more of the following criteria: it is a conservative change, it occurs at a poorly conserved position in the protein, it is predicted to be benign by multiple in silico algorithms, and/or has population frequency not consistent with disease.